The following is an entry in ClinVar:

NM_001330700.2(TOP2B):c.1238G>T (p.Cys413Phe)

Gene: TOP2B (DNA topoisomerase II beta; minus strand). Cytogenetic location: 3p24.2.
Variant type: single nucleotide variant.
Coding change: c.1238G>T on transcript NM_001330700.2 (MANE Select); coding-DNA position 1238, G replaced by T.
Protein change: p.Cys413Phe; replaces cysteine 413 with phenylalanine.
Molecular consequence: missense variant.
Genome position (GRCh38, 1-based): chr3:25,632,474, C>A on the plus strand (G>T on the coding strand, the complement: TOP2B is on the minus strand). VCF-style: chr3-25632474-C-A. GRCh37 (hg19) VCF-style: chr3-25673965-C-A.
Other names: c.1223G>T, p.Cys408Phe (NM_001068.3); short protein forms C408F, C413F.
Identifiers: ClinVar variation 1720587 (VCV001720587.5), dbSNP rs2470358488, ClinGen allele CA351910395.
Genomic context (GRCh38, chr3:25,632,474, plus strand): 5'-ACAACAATAAAAAAAATACAAGTTTTACTCACTGCTTTAAAAAATTTTTCTGACAGCTGG[C>A]ATTTAGACCCAAAACTTTTGGGCTGCAGAGTCATGTTTTCCTTAGTCTGAGAATCAAAAG-3'
Protein context (NP_001317629.1, residues 403-423): TLQPKSFGSK[Cys413Phe]QLSEKFFKAA

ClinVar aggregate classification (germline): Uncertain significance (1 of 4 stars; one submission).

Submission:

Labcorp Genetics (formerly Invitae), Labcorp
Classification: Uncertain significance. Last evaluated: 2022-09-28. Review status: criteria provided, single submitter. Criteria: Invitae Variant Classification Sherloc (09022015). Collection method: clinical testing. Allele origin: germline.
Comment: In summary, the available evidence is currently insufficient to determine the role of this variant in disease. Therefore, it has been classified as a Variant of Uncertain Significance. Algorithms developed to predict the effect of missense changes on protein structure and function are either unavailable or do not agree on the potential impact of this missense change (SIFT: "Deleterious"; PolyPhen-2: "Benign"; Align-GVGD: "Class C0"). This variant has not been reported in the literature in individuals affected with TOP2B-related conditions. This variant is not present in population databases (gnomAD no frequency). This sequence change replaces cysteine, which is neutral and slightly polar, with phenylalanine, which is neutral and non-polar, at codon 408 of the TOP2B protein (p.Cys408Phe).